The following is an entry in ClinVar:

ClinVar aggregate classification (germline): Uncertain significance. Review status: criteria provided, multiple submitters, no conflicts (2 of 4 stars). 2 submissions from 2 submitters: Uncertain significance (2). Last evaluated 2024-04-23.

Conditions:
Cystinuria (CSNU). Also called: Cystinuria, non-type I; CYSTINURIA, TYPE I; CYSTINURIA, TYPE II; CYSTINURIA, TYPE III. Identifiers: Orphanet 214, MedGen C0010691, MONDO:0009067, OMIM 220100, HP:0003131.

Allele frequency attached by ClinVar (database versions not stated): 1000 Genomes Project 30x 0.00016; 1000 Genomes Project 0.00020; ExAC 0.00033; gnomAD 0.00036 and 0.00037; TOPMed 0.00040; ESP Exome Variant Server 0.00100.

Submissions (2):

Fulgent Genetics
Classification: Uncertain significance for Cystinuria. Last evaluated: 2024-04-23. Review status: criteria provided, single submitter. Criteria: ACMG Guidelines, 2015. Collection method: clinical testing. Allele origin: germline.

Labcorp Genetics (formerly Invitae), Labcorp
Classification: Uncertain significance for Cystinuria. Last evaluated: 2022-07-24. Review status: criteria provided, single submitter. Criteria: Invitae Variant Classification Sherloc (09022015). Collection method: clinical testing. Allele origin: germline.
Comment: This sequence change replaces isoleucine, which is neutral and non-polar, with valine, which is neutral and non-polar, at codon 108 of the SLC3A1 protein (p.Ile108Val). This variant is present in population databases (rs138597262, gnomAD 0.05%). This variant has not been reported in the literature in individuals affected with SLC3A1-related conditions. ClinVar contains an entry for this variant (Variation ID: 950698). Algorithms developed to predict the effect of missense changes on protein structure and function (SIFT, PolyPhen-2, Align-GVGD) all suggest that this variant is likely to be tolerated. In summary, the available evidence is currently insufficient to determine the role of this variant in disease. Therefore, it has been classified as a Variant of Uncertain Significance.

NM_000341.4(SLC3A1):c.322A>G (p.Ile108Val)

Gene: SLC3A1 (solute carrier family 3 member 1; plus strand). Cytogenetic location: 2p21.
Variant type: single nucleotide variant.
Coding change: c.322A>G on transcript NM_000341.4 (MANE Select); coding-DNA position 322, A replaced by G.
Protein change: p.Ile108Val; replaces isoleucine 108 with valine.
Molecular consequence: missense variant.
Genome position (GRCh38, 1-based): chr2:44,275,857, A>G. VCF-style: chr2-44275857-A-G. GRCh37 (hg19) VCF-style: chr2-44502996-A-G.
Other names: short protein forms I108V.
Identifiers: ClinVar variation 950698 (VCV000950698.6), dbSNP rs138597262, ClinGen allele CA1640087.